The following is an entry in ClinVar:

NM_000501.4(ELN):c.1967G>A (p.Gly656Glu)

Gene: ELN (elastin; plus strand). Cytogenetic location: 7q11.23.
Variant type: single nucleotide variant.
Coding change: c.1967G>A on transcript NM_000501.4 (MANE Select); coding-DNA position 1967, G replaced by A.
Protein change: p.Gly656Glu; replaces glycine 656 with glutamic acid.
Molecular consequence: missense variant.
Genome position (GRCh38, 1-based): chr7:74,063,669, G>A. VCF-style: chr7-74063669-G-A. GRCh37 (hg19) VCF-style: chr7-73477999-G-A.
Other names: c.1880G>A, p.Gly627Glu (NM_001081752.3); c.1925G>A, p.Gly642Glu (NM_001081753.3); c.1982G>A, p.Gly661Glu (NM_001081754.3); c.1910G>A, p.Gly637Glu (NM_001081755.3); c.1967G>A, p.Gly656Glu (NM_001278912.2); c.1724G>A, p.Gly575Glu (NM_001278913.2); c.1895G>A, p.Gly632Glu (NM_001278914.2); c.1985G>A, p.Gly662Glu (NM_001278915.2); and 4 more; short protein forms G575E, G608E, G632E, G567E, G627E, G637E, G656E, G642E.
Identifiers: ClinVar variation 3709151 (VCV003709151.2).
Genomic context (GRCh38, chr7:74,063,669, plus strand): 5'-CTGTCTCCACAGGCCTAGTGGGAGCCGCTGGGCTCGGAGGACTCGGAGTCGGAGGGCTTG[G>A]AGTTCCAGGTGTTGGGGGCCTTGGAGGTGAGAGTTGTTCTGAAATCAGTGAGTGTGTGTG-3'
Protein context (NP_000492.2, residues 646-666): GLGGLGVGGL[Gly656Glu]VPGVGGLGGI

ClinVar aggregate classification (germline): Uncertain significance (1 of 4 stars; one submission).

Conditions:
Supravalvar aortic stenosis (SVAS). Also called: Supravalvar aortic stenosis, Eisenberg type. Identifiers: Orphanet 3193, MedGen C0003499, MONDO:0008504, OMIM 185500, HP:0004381.

Submission:

Labcorp Genetics (formerly Invitae), Labcorp
Classification: Uncertain significance for Supravalvar aortic stenosis. Last evaluated: 2024-10-02. Review status: criteria provided, single submitter. Criteria: Invitae Variant Classification Sherloc (09022015). Collection method: clinical testing. Allele origin: germline.
Comment: This sequence change replaces glycine, which is neutral and non-polar, with glutamic acid, which is acidic and polar, at codon 718 of the ELN protein (p.Gly718Glu). This variant is not present in population databases (gnomAD no frequency). This variant has not been reported in the literature in individuals affected with ELN-related conditions. Invitae Evidence Modeling of protein sequence and biophysical properties (such as structural, functional, and spatial information, amino acid conservation, physicochemical variation, residue mobility, and thermodynamic stability) indicates that this missense variant is not expected to disrupt ELN protein function with a negative predictive value of 80%. In summary, the available evidence is currently insufficient to determine the role of this variant in disease. Therefore, it has been classified as a Variant of Uncertain Significance.